The following is an entry in ClinVar:

NM_001378454.1(ALMS1):c.6146C>T (p.Ser2049Phe)

Gene: ALMS1 (ALMS1 centrosome and basal body associated protein; plus strand). Cytogenetic location: 2p13.1.
Variant type: single nucleotide variant.
Coding change: c.6146C>T on transcript NM_001378454.1 (MANE Select); coding-DNA position 6146, C replaced by T.
Protein change: p.Ser2049Phe; replaces serine 2049 with phenylalanine.
Molecular consequence: missense variant.
Genome position (GRCh38, 1-based): chr2:73,452,673, C>T. VCF-style: chr2-73452673-C-T. GRCh37 (hg19) VCF-style: chr2-73679800-C-T.
Other names: c.6149C>T, p.Ser2050Phe (NM_015120.4); short protein forms S2050F, S2049F.
Identifiers: ClinVar variation 4989737 (VCV004989737.1).

ClinVar aggregate classification (germline): Uncertain significance (1 of 4 stars; one submission).

Conditions:
ALMS1-related disorder. Also called: ALMS1-related condition.

Submission:

PreventionGenetics, part of Exact Sciences
Classification: Uncertain significance for ALMS1-related condition. Last evaluated: 2026-03-04. Review status: criteria provided, single submitter. Criteria: ACMG Guidelines, 2015. Collection method: clinical testing. Allele origin: germline.
Comment: The ALMS1 c.6149C>T variant is predicted to result in the amino acid substitution p.Thr2050Ile. To our knowledge, this variant has not been reported in the literature or in a large population database (gnomAD), indicating this variant is rare. At this time, the clinical significance of this variant is uncertain due to the absence of conclusive functional and genetic evidence.